The following is an entry in ClinVar:

ClinVar aggregate classification (germline): Pathogenic/Likely pathogenic. Review status: criteria provided, multiple submitters, no conflicts (2 of 4 stars). 2 submissions from 2 submitters: Pathogenic (1); Likely pathogenic (1). Last evaluated 2023-06-26.

Conditions:
IMPG2-related disorders.

Submissions (2):

Labcorp Genetics (formerly Invitae), Labcorp
Classification: Pathogenic. Last evaluated: 2023-06-26. Review status: criteria provided, single submitter. Criteria: Invitae Variant Classification Sherloc (09022015). Collection method: clinical testing. Allele origin: germline.
Comment: For these reasons, this variant has been classified as Pathogenic. ClinVar contains an entry for this variant (Variation ID: 867193). This variant has not been reported in the literature in individuals affected with IMPG2-related conditions. Information on the frequency of this variant in the gnomAD database is not available, as this variant may be reported differently in the database. This sequence change creates a premature translational stop signal (p.Tyr1001*) in the IMPG2 gene. It is expected to result in an absent or disrupted protein product. Loss-of-function variants in IMPG2 are known to be pathogenic (PMID: 20673862).

Blueprint Genetics
Classification: Likely pathogenic for IMPG2-related disorders. Last evaluated: 2019-07-11. Review status: criteria provided, single submitter. Criteria: ACMG Guidelines, 2015. Collection method: clinical testing. Allele origin: germline. Affected: yes. Observed: 1 variant allele.

Literature cited by the submitters: PubMed 20673862 (cited by Labcorp Genetics (formerly Invitae), Labcorp).

NM_016247.4(IMPG2):c.3003_3004delinsAC (p.Tyr1001_Ser1002delinsTer)

Gene: IMPG2 (interphotoreceptor matrix proteoglycan 2; minus strand). Cytogenetic location: 3q12.3.
Variant type: Indel.
Coding change: c.3003_3004delinsAC on transcript NM_016247.4 (MANE Select); coding-DNA positions 3003 to 3004, CT replaced by AC.
Protein change: p.Tyr1001_Ser1002delinsTer.
Molecular consequence: nonsense.
Genome position (GRCh38, 1-based): chr3:101,242,706-101,242,707, AG replaced by GT on the plus strand (CT replaced by AC on the coding strand, the reverse complement: IMPG2 is on the minus strand). VCF-style: chr3-101242706-AG-GT. GRCh37 (hg19) VCF-style: chr3-100961550-AG-GT.
Identifiers: ClinVar variation 867193 (VCV000867193.11), dbSNP rs1706423076, ClinGen allele CA916082585.